The following is an entry in ClinVar:

ClinVar aggregate classification (germline): Benign. Review status: criteria provided, multiple submitters, no conflicts (2 of 4 stars). 9 submissions from 9 submitters: Benign (9). Last evaluated 2026-08-01.

Conditions:
Familial intrahepatic cholestasis. Identifiers: Orphanet 284385, MedGen CN296401, MONDO:0017290.
Progressive familial intrahepatic cholestasis type 1. Also called: Severe ATP8B1 Deficiency (Progressive Familial Intrahepatic Cholestasis Type 1 [PFIC1]); BYLER DISEASE; Byler's disease. Identifiers: Orphanet 79306, MedGen C4551898, MONDO:0008892, OMIM 211600.

Allele frequency attached by ClinVar (database versions not stated): ESP Exome Variant Server 0.00015; gnomAD 0.00124 and 0.00204; TOPMed 0.00187; gnomAD exomes 0.00188 and 0.00437; ExAC 0.00427; 1000 Genomes Project 30x 0.01109; 1000 Genomes Project 0.01358.
gnomAD v4.1: 3,079 of 1,614,062 alleles (0.19%); highest among the groups gnomAD compares: East Asian, 4.9%; 77 homozygotes.

Submissions (9):

CeGaT Center for Human Genetics Tuebingen
Classification: Benign. Last evaluated: 2026-08-01. Review status: criteria provided, single submitter. Criteria: CeGaT Center For Human Genetics Tuebingen Variant Classification Criteria Version 2. Collection method: clinical testing. Allele origin: germline. Affected: yes. Observed: 2 variant alleles.
Comment: ATP8B1: BP4, BS1, BS2

Genomenon, Inc
Classification: Benign for Familial intrahepatic cholestasis. Last evaluated: 2026-04-14. Review status: criteria provided, single submitter. Criteria: Genomenon Sequence Variant Interpretation Standards - Updated. Collection method: curation. Allele origin: germline. Affected: no.
Comment: ATP8B1 p.His78Gln (c.234C>G) is a missense variant that changes the amino acid at residue 78 from Histidine to Glutamine. In silico models predict that this variant is not damaging. This variant is present at high allele frequency in population databases. In conclusion, we classify ATP8B1 p.His78Gln (c.234C>G) as a benign variant.

Labcorp Genetics (formerly Invitae), Labcorp
Classification: Benign. Last evaluated: 2026-02-04. Review status: criteria provided, single submitter. Criteria: Invitae Variant Classification Sherloc (09022015). Collection method: clinical testing. Allele origin: germline.

Dubai Health Genomic Medicine Center, Dubai Health
Classification: Benign. Last evaluated: 2020-01-08. Review status: criteria provided, single submitter. Criteria: ACMG Guidelines, 2015. Collection method: clinical testing. Allele origin: germline. Affected: yes.

Illumina Laboratory Services, Illumina
Classification: Benign for Progressive familial intrahepatic cholestasis type 1. Last evaluated: 2018-01-12. Review status: criteria provided, single submitter. Criteria: ICSL Variant Classification Criteria 13 December 2019. Collection method: clinical testing. Allele origin: germline.
Comment: This variant was observed in the ICSL laboratory as part of a predisposition screen in an ostensibly healthy population. It had not been previously curated by ICSL or reported in the Human Gene Mutation Database (HGMD: prior to June 1st, 2018), and was therefore a candidate for classification through an automated scoring system. Utilizing variant allele frequency, disease prevalence and penetrance estimates, and inheritance mode, an automated score was calculated to assess if this variant is too frequent to cause the disease. Based on the score and internal cut-off values, a variant classified as benign is not then subjected to further curation. The score for this variant resulted in a classification of benign for this disease.

GeneDx
Classification: Benign. Last evaluated: 2017-01-06. Review status: criteria provided, single submitter. Criteria: GeneDx Variant Classification (06012015). Collection method: clinical testing. Allele origin: germline. Affected: yes.
Comment: This variant is considered likely benign or benign based on one or more of the following criteria: it is a conservative change, it occurs at a poorly conserved position in the protein, it is predicted to be benign by multiple in silico algorithms, and/or has population frequency not consistent with disease.

Eurofins Ntd Llc (ga)
Classification: Benign. Last evaluated: 2015-10-05. Review status: criteria provided, single submitter. Criteria: EGL Classification Definitions 2015. Collection method: clinical testing. Allele origin: germline. Observed: 1 variant allele, 1 heterozygote.

Breakthrough Genomics
Classification: Benign. Review status: criteria provided, single submitter. Criteria: ACMG Guidelines, 2015. Collection method: not provided. Allele origin: germline. Inheritance: Autosomal recessive inheritance. Affected: yes.

PreventionGenetics, part of Exact Sciences
Classification: Benign. Review status: criteria provided, single submitter. Criteria: ACMG Guidelines, 2015. Collection method: clinical testing. Allele origin: germline.

NM_001374385.1(ATP8B1):c.234C>G (p.His78Gln)

Gene: ATP8B1 (ATPase phospholipid transporting 8B1; minus strand). Cytogenetic location: 18q21.31.
Variant type: single nucleotide variant.
Coding change: c.234C>G on transcript NM_001374385.1 (MANE Select); coding-DNA position 234, C replaced by G.
Protein change: p.His78Gln; replaces histidine 78 with glutamine.
Molecular consequence: missense variant. On other transcripts: intron variant (1).
Genome position (GRCh38, 1-based): chr18:57,706,535, G>C on the plus strand (C>G on the coding strand, the complement: ATP8B1 is on the minus strand). VCF-style: chr18-57706535-G-C. GRCh37 (hg19) VCF-style: chr18-55373767-G-C.
Other names: c.234C>G, p.His78Gln (NM_005603.6); c.130-1867C>G (NM_001374386.1); short protein forms H78Q.
Identifiers: ClinVar variation 259818 (VCV000259818.35), dbSNP rs3745079, ClinGen allele CA8974915.